The following is an entry in ClinVar:

ClinVar aggregate classification (germline): Uncertain significance (1 of 4 stars; one submission).

Conditions:
Dilated cardiomyopathy 2B. Identifiers: Orphanet 154, MedGen C3553409, MONDO:0013848, OMIM 614672.

Allele frequency attached by ClinVar (database versions not stated): TOPMed below 0.00001; gnomAD 0.00001; ESP Exome Variant Server 0.00011.

Submission:

Labcorp Genetics (formerly Invitae), Labcorp
Classification: Uncertain significance for Dilated cardiomyopathy 2B. Last evaluated: 2022-01-03. Review status: criteria provided, single submitter. Criteria: Invitae Variant Classification Sherloc (09022015). Collection method: clinical testing. Allele origin: germline.
Comment: This variant has not been reported in the literature in individuals affected with GATAD1-related conditions. Algorithms developed to predict the effect of sequence changes on RNA splicing suggest that this variant may create or strengthen a splice site. In summary, the available evidence is currently insufficient to determine the role of this variant in disease. Therefore, it has been classified as a Variant of Uncertain Significance. This variant is not present in population databases (gnomAD no frequency). This sequence change affects codon 12 of the GATAD1 mRNA. It is a 'silent' change, meaning that it does not change the encoded amino acid sequence of the GATAD1 protein.

NM_021167.5(GATAD1):c.36C>T (p.Cys12=)

Genes: GATAD1 (GATA zinc finger domain containing 1; plus strand), LOC129998793 (ATAC-STARR-seq lymphoblastoid silent region 18371; plus strand). Cytogenetic location: 7q21.2.
Variant type: single nucleotide variant.
Coding change: c.36C>T on transcript NM_021167.5 (MANE Select); coding-DNA position 36, C replaced by T.
Protein change: p.Cys12=; no amino-acid change (cysteine 12 retained).
Molecular consequence: synonymous variant. On other transcripts: non-coding transcript variant (1).
Genome position (GRCh38, 1-based): chr7:92,447,765, C>T. VCF-style: chr7-92447765-C-T. GRCh37 (hg19) VCF-style: chr7-92077079-C-T.
Identifiers: ClinVar variation 2071664 (VCV002071664.4), dbSNP rs375127123, ClinGen allele CA161960690.